The following is an entry in ClinVar:

ClinVar aggregate classification (germline): Uncertain significance. Review status: criteria provided, multiple submitters, no conflicts (2 of 4 stars). 2 submissions from 2 submitters: Uncertain significance (2). Last evaluated 2026-06-29.

Conditions:
Colorectal cancer, hereditary nonpolyposis, type 7. Identifiers: Orphanet 144, MedGen C1858380, MONDO:0013725, OMIM 614385.

gnomAD v4.1: 1 of 1,612,154 alleles (0.000062%); highest among the groups gnomAD compares: Non-Finnish European, 0.000085%; no homozygotes.

Submissions (2):

Ambry Genetics
Classification: Uncertain significance. Last evaluated: 2026-06-29. Review status: criteria provided, single submitter. Criteria: Ambry Variant Classification Scheme 2023. Collection method: clinical testing. Allele origin: germline.
Comment: The p.A1246T variant (also known as c.3736G>A), located in coding exon 7 of the MLH3 gene, results from a G to A substitution at nucleotide position 3736. The alanine at codon 1246 is replaced by threonine, an amino acid with similar properties. This amino acid position is poorly conserved in available vertebrate species. In addition, this alteration is predicted to be tolerated by in silico analysis. Based on the available evidence, the clinical significance of this variant remains unclear.

Labcorp Genetics (formerly Invitae), Labcorp
Classification: Uncertain significance for Colorectal cancer, hereditary nonpolyposis, type 7. Last evaluated: 2025-03-29. Review status: criteria provided, single submitter. Criteria: Invitae Variant Classification Sherloc (09022015). Collection method: clinical testing. Allele origin: germline.
Comment: This sequence change replaces alanine, which is neutral and non-polar, with threonine, which is neutral and polar, at codon 1246 of the MLH3 protein (p.Ala1246Thr). This variant is not present in population databases (gnomAD no frequency). This variant has not been reported in the literature in individuals affected with MLH3-related conditions. An algorithm developed to predict the effect of missense changes on protein structure and function (PolyPhen-2) suggests that this variant is likely to be tolerated. In summary, the available evidence is currently insufficient to determine the role of this variant in disease. Therefore, it has been classified as a Variant of Uncertain Significance.

NM_001040108.2(MLH3):c.3736G>A (p.Ala1246Thr)

Gene: MLH3 (mutL homolog 3; minus strand). Cytogenetic location: 14q24.3.
Variant type: single nucleotide variant.
Coding change: c.3736G>A on transcript NM_001040108.2 (MANE Select); coding-DNA position 3736, G replaced by A.
Protein change: p.Ala1246Thr; replaces alanine 1246 with threonine.
Molecular consequence: missense variant.
Genome position (GRCh38, 1-based): chr14:75,032,159, C>T on the plus strand (G>A on the coding strand, the complement: MLH3 is on the minus strand). VCF-style: chr14-75032159-C-T. GRCh37 (hg19) VCF-style: chr14-75498862-C-T.
Other names: c.3664G>A, p.Ala1222Thr (NM_014381.3); short protein forms A1222T, A1246T.
Identifiers: ClinVar variation 4740498 (VCV004740498.2).